The following is an entry in ClinVar:

ClinVar aggregate classification (germline): Uncertain significance (1 of 4 stars; one submission).

Conditions:
Early-infantile DEE. Also called: Ohtahara syndrome; Early infantile epileptic encephalopathy with suppression bursts; Early infantile epileptic encephalopathy. Identifiers: Orphanet 1934, MedGen C0393706, MONDO:0800491.

Submission:

Labcorp Genetics (formerly Invitae), Labcorp
Classification: Uncertain significance for Early-infantile DEE. Last evaluated: 2025-11-19. Review status: criteria provided, single submitter. Criteria: Invitae Variant Classification Sherloc (09022015). Collection method: clinical testing. Allele origin: germline.
Comment: This sequence change replaces serine, which is neutral and polar, with tyrosine, which is neutral and polar, at codon 1037 of the SCN1A protein (p.Ser1037Tyr). This variant is not present in population databases (gnomAD no frequency). This variant has not been reported in the literature in individuals affected with SCN1A-related conditions. ClinVar contains an entry for this variant (Variation ID: 2850878). Invitae Evidence Modeling of protein sequence and biophysical properties (such as structural, functional, and spatial information, amino acid conservation, physicochemical variation, residue mobility, and thermodynamic stability) indicates that this missense variant is not expected to disrupt SCN1A protein function with a negative predictive value of 95%. In summary, the available evidence is currently insufficient to determine the role of this variant in disease. Therefore, it has been classified as a Variant of Uncertain Significance.

NM_001165963.4(SCN1A):c.3110C>A (p.Ser1037Tyr)

Genes: SCN1A (sodium voltage-gated channel alpha subunit 1; minus strand), LOC102724058 (uncharacterized LOC102724058; plus strand). Cytogenetic location: 2q24.3.
Variant type: single nucleotide variant.
Coding change: c.3110C>A on transcript NM_001165963.4 (MANE Select); coding-DNA position 3110, C replaced by A.
Protein change: p.Ser1037Tyr; replaces serine 1037 with tyrosine.
Molecular consequence: missense variant. On other transcripts: non-coding transcript variant (2).
Genome position (GRCh38, 1-based): chr2:166,036,367, G>T on the plus strand (C>A on the coding strand, the complement: SCN1A is on the minus strand). VCF-style: chr2-166036367-G-T. GRCh37 (hg19) VCF-style: chr2-166892877-G-T.
Other names: c.3074C>A, p.Ser1025Tyr (NM_001353954.2, NM_001353955.2); c.3026C>A, p.Ser1009Tyr (NM_001353957.2, NM_001353958.2, NM_001165964.3); c.3023C>A, p.Ser1008Tyr (NM_001353960.2); c.668C>A, p.Ser223Tyr (NM_001353961.2); c.3077C>A, p.Ser1026Tyr (NM_006920.6, NM_001353949.2, NM_001353950.2 and 2 more transcripts); c.3110C>A, p.Ser1037Tyr (NM_001202435.3, NM_001353948.2); short protein forms S1025Y, S1026Y, S223Y, S1008Y, S1009Y, S1037Y.
Identifiers: ClinVar variation 2850878 (VCV002850878.3), dbSNP rs1265022938, ClinGen allele CA349059956.